The following is an entry in ClinVar:

ClinVar aggregate classification (germline): Pathogenic (1 of 4 stars; one submission).

Submission:

Labcorp Genetics (formerly Invitae), Labcorp
Classification: Pathogenic. Last evaluated: 2022-05-27. Review status: criteria provided, single submitter. Criteria: Invitae Variant Classification Sherloc (09022015). Collection method: clinical testing. Allele origin: germline.
Comment: This variant is a gross deletion of the genomic region encompassing exon(s) 6 of the NFKB1 gene. This deletion is out-of-frame, and is expected to create a premature termination codon and result in an absent or disrupted protein product. Loss-of-function variants in NFKB1 are known to be pathogenic (PMID: 26279205, 29477724). For these reasons, this variant has been classified as Pathogenic. This variant has not been reported in the literature in individuals affected with NFKB1-related conditions.

Literature cited by the submitters: PubMed 26279205; PubMed 29477724.

NC_000004.11:g.(?_103488124)_(103488312_?)del

Gene: NFKB1 (nuclear factor kappa B subunit 1; plus strand). Cytogenetic location: 4q24.
Variant type: Deletion.
Identifiers: ClinVar variation 2424805 (VCV002424805.4).